The following is an entry in ClinVar:

NM_016648.4(LARP7):c.646+5G>C

Genes: LARP7 (La ribonucleoprotein 7, transcriptional regulator; plus strand), MIR302CHG (miR-302/367 cluster host gene; minus strand). Cytogenetic location: 4q25.
Variant type: single nucleotide variant.
Coding change: c.646+5G>C on transcript NM_016648.4 (MANE Select); 5 bases into the intron after coding-DNA position 646, G replaced by C.
Molecular consequence: intron variant.
Genome position (GRCh38, 1-based): chr4:112,647,132, G>C. VCF-style: chr4-112647132-G-C. GRCh37 (hg19) VCF-style: chr4-113568288-G-C.
Other names: c.646+5G>C (NM_001267039.4, NM_001370974.1, NM_001370976.1 and 6 more transcripts); c.409+5G>C (NM_001370982.1, NM_001370981.1).
Identifiers: ClinVar variation 504212 (VCV000504212.6), dbSNP rs1554011529, ClinGen allele CA658796458.

ClinVar aggregate classification (germline): Likely pathogenic (1 of 4 stars; one submission).

gnomAD v4.1: 1 of 1,601,712 alleles (0.000062%); highest among the groups gnomAD compares: Non-Finnish European, 0.000085%; no homozygotes.

Submission:

GeneDx
Classification: Likely pathogenic. Last evaluated: 2026-09-09. Review status: criteria provided, single submitter. Criteria: GeneDx Variant Classification Process June 2021. Collection method: clinical testing. Allele origin: germline.
Comment: Not observed at significant frequency in large population cohorts (gnomAD); In silico analysis supports a deleterious effect on splicing; This variant is associated with the following publications: (PMID: 31074943)